The following is an entry in ClinVar:

NM_001377.3(DYNC2H1):c.1365del (p.Arg456fs)

Gene: DYNC2H1 (dynein cytoplasmic 2 heavy chain 1; plus strand). Cytogenetic location: 11q22.3.
Variant type: Deletion.
Coding change: c.1365del on transcript NM_001377.3 (MANE Select); coding-DNA position 1365, one base deleted (T; older notation c.1365delT).
Protein change: p.Arg456fs; shifts the reading frame from arginine 456.
Molecular consequence: frameshift variant.
Genome position (GRCh38, 1-based): chr11:103,121,376, T deleted; the last of 4 consecutive T bases (chr11:103,121,373-103,121,376); deleting any one gives the same sequence. VCF-style (leftmost placement, unchanged base first): chr11-103121372-AT-A. GRCh37 (hg19) VCF-style: chr11-102992101-AT-A.
Other names: c.1365del, p.Arg456fs (NM_001080463.2); short protein forms R456fs.
Identifiers: ClinVar variation 5016291 (VCV005016291.1).

ClinVar aggregate classification (germline): Pathogenic (1 of 4 stars; one submission).

Conditions:
Asphyxiating thoracic dystrophy 3. Also called: SHORT-RIB THORACIC DYSPLASIA 3 WITH OR WITHOUT POLYDACTYLY; POLYDACTYLY WITH NEONATAL CHONDRODYSTROPHY, TYPE I; SHORT-RIB THORACIC DYSPLASIA 3/6 WITH POLYDACTYLY, DIGENIC; Short rib polydactyly syndrome 2B; Saldino-Noonan Syndrome. Identifiers: Orphanet 474, Orphanet 93269, Orphanet 93270, Orphanet 93271, MedGen C0036069, MONDO:0013127, OMIM 613091.

Submission:

Myriad Genetics, Inc.
Classification: Pathogenic for Asphyxiating thoracic dystrophy 3. Last evaluated: 2026-08-29. Review status: criteria provided, single submitter. Criteria: Myriad Autosomal Dominant, Autosomal Recessive and X-Linked Classification Criteria (2023). Collection method: clinical testing. Allele origin: unknown.
Comment: NM_001377.2(DYNC2H1):c.1365delT(R456Dfs*2) is expected to be pathogenic in the context of DYNC2H1-related disorders. This variant is predicted to lead to an abnormal or absent protein product due to the creation of a premature termination codon in DYNC2H1, a gene where loss-of-function variants are known to be pathogenic. Please note: this variant was assessed in the context of healthy population screening.